The following is an entry in ClinVar:

ClinVar aggregate classification (germline): Uncertain significance (1 of 4 stars; one submission).

Allele frequency attached by ClinVar (database versions not stated): gnomAD exomes below 0.00001; gnomAD 0.00001.
gnomAD v4.1: 2 of 1,614,012 alleles (0.00012%); highest among the groups gnomAD compares: Admixed American, 0.0033%; no homozygotes.

Submission:

Labcorp Genetics (formerly Invitae), Labcorp
Classification: Uncertain significance. Last evaluated: 2021-09-01. Review status: criteria provided, single submitter. Criteria: Invitae Variant Classification Sherloc (09022015). Collection method: clinical testing. Allele origin: germline.
Comment: This sequence change replaces alanine with threonine at codon 273 of the FCHO1 protein (p.Ala273Thr). The alanine residue is weakly conserved and there is a small physicochemical difference between alanine and threonine. This variant is not present in population databases (ExAC no frequency). This variant has not been reported in the literature in individuals affected with FCHO1-related conditions. Algorithms developed to predict the effect of missense changes on protein structure and function output the following: SIFT: "Tolerated"; PolyPhen-2: "Benign"; Align-GVGD: "Class C0". The threonine amino acid residue is found in multiple mammalian species, which suggests that this missense change does not adversely affect protein function. In summary, the available evidence is currently insufficient to determine the role of this variant in disease. Therefore, it has been classified as a Variant of Uncertain Significance.

NM_015122.3(FCHO1):c.817G>A (p.Ala273Thr)

Gene: FCHO1 (FCH and mu domain containing endocytic adaptor 1; plus strand). Cytogenetic location: 19p13.11.
Variant type: single nucleotide variant.
Coding change: c.817G>A on transcript NM_015122.3 (MANE Select); coding-DNA position 817, G replaced by A.
Protein change: p.Ala273Thr; replaces alanine 273 with threonine.
Molecular consequence: missense variant. On other transcripts: non-coding transcript variant (36), intron variant (1).
Genome position (GRCh38, 1-based): chr19:17,774,265, G>A. VCF-style: chr19-17774265-G-A. GRCh37 (hg19) VCF-style: chr19-17885074-G-A.
Other names: c.817G>A, p.Ala273Thr (NM_001161357.2, NM_001161358.2, NM_001384370.1 and 25 more transcripts); c.667G>A, p.Ala223Thr (NM_001161359.2, NM_001384384.1, NM_001384385.1 and 3 more transcripts); c.778G>A, p.Ala260Thr (NM_001384388.1, NM_001384389.1, NM_001384405.1); c.742G>A, p.Ala248Thr (NM_001384390.1); c.791-129G>A (NM_001384403.1); short protein forms A223T, A248T, A260T, A273T.
Identifiers: ClinVar variation 1519405 (VCV001519405.5), dbSNP rs2092289427, ClinGen allele CA404750482.